The following is an entry in ClinVar:

NM_201253.3(CRB1):c.1123T>C (p.Tyr375His)

Gene: CRB1 (crumbs cell polarity complex component 1; plus strand). Cytogenetic location: 1q31.3.
Variant type: single nucleotide variant.
Coding change: c.1123T>C on transcript NM_201253.3 (MANE Select); coding-DNA position 1123, T replaced by C.
Protein change: p.Tyr375His; replaces tyrosine 375 with histidine.
Molecular consequence: missense variant. On other transcripts: non-coding transcript variant (2).
Genome position (GRCh38, 1-based): chr1:197,356,965, T>C. VCF-style: chr1-197356965-T-C. GRCh37 (hg19) VCF-style: chr1-197326095-T-C.
Other names: c.787T>C, p.Tyr263His (NM_001193640.2); c.916T>C, p.Tyr306His (NM_001257965.2); c.1123T>C, p.Tyr375His (NM_001257966.2); short protein forms Y306H, Y375H, Y263H.
Identifiers: ClinVar variation 2112075 (VCV002112075.4), dbSNP rs2527716553, ClinGen allele CA344084577.

ClinVar aggregate classification (germline): Uncertain significance (1 of 4 stars; one submission).

Conditions:
Leber congenital amaurosis 8 (LCA8). Identifiers: Orphanet 65, MedGen C3151202, MONDO:0013453, OMIM 613835.
Retinitis pigmentosa 12 (RP12). Also called: RP WITH OR WITHOUT PRESERVED PARAARTERIOLE RETINAL PIGMENT EPITHELIUM; RETINITIS PIGMENTOSA WITH OR WITHOUT PARAARTERIOLAR PRESERVATION OF RETINAL PIGMENT EPITHELIUM; RP WITH OR WITHOUT PPRPE. Identifiers: Orphanet 791, MedGen C1838647, MONDO:0010818, OMIM 600105.

Submission:

Labcorp Genetics (formerly Invitae), Labcorp
Classification: Uncertain significance for Leber congenital amaurosis 8; Retinitis pigmentosa 12. Last evaluated: 2022-03-14. Review status: criteria provided, single submitter. Criteria: Invitae Variant Classification Sherloc (09022015). Collection method: clinical testing. Allele origin: germline.
Comment: In summary, the available evidence is currently insufficient to determine the role of this variant in disease. Therefore, it has been classified as a Variant of Uncertain Significance. Advanced modeling of protein sequence and biophysical properties (such as structural, functional, and spatial information, amino acid conservation, physicochemical variation, residue mobility, and thermodynamic stability) performed at Invitae indicates that this missense variant is not expected to disrupt CRB1 protein function. This variant has not been reported in the literature in individuals affected with CRB1-related conditions. This variant is not present in population databases (gnomAD no frequency). This sequence change replaces tyrosine, which is neutral and polar, with histidine, which is basic and polar, at codon 375 of the CRB1 protein (p.Tyr375His).